The following is an entry in ClinVar:

ClinVar aggregate classification (germline): Uncertain significance. Review status: criteria provided, multiple submitters, no conflicts (2 of 4 stars). 2 submissions from 2 submitters: Uncertain significance (2). Last evaluated 2022-05-05.

Conditions:
Charcot-Marie-Tooth disease recessive intermediate C. Also called: CHARCOT-MARIE-TOOTH NEUROPATHY, RECESSIVE INTERMEDIATE C. Identifiers: Orphanet 369867, MedGen C3809309, MONDO:0014154, OMIM 615376.
Neuronopathy, distal hereditary motor, autosomal recessive 4. Also called: Autosomal recessive lower motor neuron disease with childhood onset; NEUROPATHY, DISTAL HEREDITARY MOTOR, AUTOSOMAL RECESSIVE 4. Identifiers: Orphanet 206580, MedGen C1970211, MONDO:0012608, OMIM 611067.
Inborn genetic diseases. Identifiers: MedGen C0950123, MeSH D030342.

Allele frequency attached by ClinVar (database versions not stated): gnomAD 0.00001 and 0.00002; gnomAD exomes 0.00001; TOPMed 0.00002; ExAC 0.00003; 1000 Genomes Project 30x 0.00016; 1000 Genomes Project 0.00020.
gnomAD v4.1: 11 of 1,605,984 alleles (0.00068%); highest among the groups gnomAD compares: Non-Finnish European, 0.00093%; no homozygotes.

Submissions (2):

Labcorp Genetics (formerly Invitae), Labcorp
Classification: Uncertain significance for Neuronopathy, distal hereditary motor, autosomal recessive 4; Charcot-Marie-Tooth disease recessive intermediate C. Last evaluated: 2022-05-05. Review status: criteria provided, single submitter. Criteria: Invitae Variant Classification Sherloc (09022015). Collection method: clinical testing. Allele origin: germline.
Comment: This sequence change replaces arginine, which is basic and polar, with cysteine, which is neutral and slightly polar, at codon 454 of the PLEKHG5 protein (p.Arg454Cys). The frequency data for this variant in the population databases is considered unreliable, as metrics indicate poor data quality at this position in the gnomAD database. This variant has not been reported in the literature in individuals affected with PLEKHG5-related conditions. ClinVar contains an entry for this variant (Variation ID: 661784). Algorithms developed to predict the effect of missense changes on protein structure and function are either unavailable or do not agree on the potential impact of this missense change (SIFT: "Deleterious"; PolyPhen-2: "Probably Damaging"; Align-GVGD: "Class C0"). In summary, the available evidence is currently insufficient to determine the role of this variant in disease. Therefore, it has been classified as a Variant of Uncertain Significance.

Ambry Genetics
Classification: Uncertain significance for Inborn genetic diseases. Last evaluated: 2020-10-20. Review status: criteria provided, single submitter. Criteria: Ambry Variant Classification Scheme 2023. Collection method: clinical testing. Allele origin: germline.
Comment: The p.R454C variant (also known as c.1360C>T), located in coding exon 12 of the PLEKHG5 gene, results from a C to T substitution at nucleotide position 1360. The arginine at codon 454 is replaced by cysteine, an amino acid with highly dissimilar properties. This amino acid position is highly conserved in available vertebrate species. In addition, the in silico prediction for this alteration is inconclusive.Since supporting evidence is limited at this time, the clinical significance of this alteration remains unclear.

NM_020631.6(PLEKHG5):c.1360C>T (p.Arg454Cys)

Gene: PLEKHG5 (pleckstrin homology and RhoGEF domain containing G5; minus strand). Cytogenetic location: 1p36.31.
Variant type: single nucleotide variant.
Coding change: c.1360C>T on transcript NM_020631.6 (MANE Select); coding-DNA position 1360, C replaced by T.
Protein change: p.Arg454Cys; replaces arginine 454 with cysteine.
Molecular consequence: missense variant.
Genome position (GRCh38, 1-based): chr1:6,471,022, G>A on the plus strand (C>T on the coding strand, the complement: PLEKHG5 is on the minus strand). VCF-style: chr1-6471022-G-A. GRCh37 (hg19) VCF-style: chr1-6531082-G-A.
Other names: c.1471C>T, p.Arg491Cys (NM_001042663.3, NM_001265592.2); c.1360C>T, p.Arg454Cys (NM_001042664.2, NM_001042665.2, NM_001265594.3 and 1 more transcripts); c.1567C>T, p.Arg523Cys (NM_001265593.2); short protein forms R454C, R523C, R491C.
Identifiers: ClinVar variation 661784 (VCV000661784.8), dbSNP rs200086651, ClinGen allele CA561551.
Genomic context (GRCh38, chr1:6,471,022, plus strand): 5'-CCCCCGCCCACGGCACGCGCGCCCTCACCGTGATGTAGGCCCGGAAGAGGTCGTTGTCGC[G>A]CAGCAGGCCGCGCATGTACTCCATGCAGCCCTCCTCCTCCATGCAGTAGCGGATGTAGGG-3'
Protein context (NP_065682.2, residues 444-464): GCMEYMRGLL[Arg454Cys]DNDLFRAYIT